The following is an entry in ClinVar:

ClinVar aggregate classification (germline): Likely pathogenic (1 of 4 stars; one submission).

Conditions:
Microcephaly 5, primary, autosomal recessive (MCPH5). Also called: ASPM Primary Microcephaly. Identifiers: Orphanet 2512, MedGen C1837501, MONDO:0012106, OMIM 608716.

Submission:

Juno Genomics, Hangzhou Juno Genomics, Inc
Classification: Likely pathogenic for Microcephaly 5, primary, autosomal recessive. Review status: criteria provided, single submitter. Criteria: ACMG Guidelines, 2015. Collection method: clinical testing. Allele origin: germline. Affected: yes.
Comment: Absent from controls (or at extremely low frequency if recessive) in Genome Aggregation Database, Exome Sequencing Project, 1000 Genomes Project, or Exome Aggregation Consortium.;Null variant in a gene where loss of function (LOF) is a known mechanism of disease.

NM_018136.5(ASPM):c.5206C>T (p.Gln1736Ter)

Gene: ASPM (assembly factor for spindle microtubules; minus strand). Cytogenetic location: 1q31.3.
Variant type: single nucleotide variant.
Coding change: c.5206C>T on transcript NM_018136.5 (MANE Select); coding-DNA position 5206, C replaced by T.
Protein change: p.Gln1736Ter; replaces glutamine 1736 with a stop codon.
Molecular consequence: nonsense. On other transcripts: intron variant (1).
Genome position (GRCh38, 1-based): chr1:197,104,045, G>A on the plus strand (C>T on the coding strand, the complement: ASPM is on the minus strand). VCF-style: chr1-197104045-G-A. GRCh37 (hg19) VCF-style: chr1-197073175-G-A.
Other names: c.4066-7881C>T (NM_001206846.2); short protein forms Q1736*.
Identifiers: ClinVar variation 3382116 (VCV003382116.2).